The following is an entry in ClinVar:

NM_001814.6(CTSC):c.1149del (p.His382_Tyr383insTer)

Gene: CTSC (cathepsin C; minus strand). Cytogenetic location: 11q14.2.
Variant type: Deletion.
Coding change: c.1149del on transcript NM_001814.6 (MANE Select); coding-DNA position 1149, one base deleted (C; older notation c.1149delC).
Protein change: p.His382_Tyr383insTer.
Molecular consequence: nonsense.
Genome position (GRCh38, 1-based): chr11:88,294,249, G deleted on the plus strand (C on the coding strand, the reverse complement: CTSC is on the minus strand). VCF-style (leftmost placement, unchanged base first): chr11-88294248-TG-T. GRCh37 (hg19) VCF-style: chr11-88027416-TG-T.
Identifiers: ClinVar variation 2951009 (VCV002951009.3), dbSNP rs2496529099, ClinGen allele CA2740093153.

ClinVar aggregate classification (germline): Pathogenic (1 of 4 stars; one submission).

Conditions:
Periodontitis, aggressive. Identifiers: MedGen C0031106, MONDO:0980757.
Papillon-Lefèvre syndrome (PALS). Also called: KERATOSIS PALMOPLANTARIS WITH PERIODONTOPATHIA; Papillon-Lefevre Disease. Identifiers: Orphanet 678, MedGen C0030360, MONDO:0009490, OMIM 245000.
Haim-Munk syndrome (HMS). Also called: COCHIN JEWISH DISORDER; KERATOSIS PALMOPLANTARIS WITH PERIODONTOPATHIA AND ONYCHOGRYPOSIS. Identifiers: Orphanet 2342, MedGen C1855627, MONDO:0009491, OMIM 245010.

Submission:

Labcorp Genetics (formerly Invitae), Labcorp
Classification: Pathogenic for Haim-Munk syndrome; Periodontitis, aggressive; Papillon-Lefèvre syndrome. Last evaluated: 2023-08-16. Review status: criteria provided, single submitter. Criteria: Invitae Variant Classification Sherloc (09022015). Collection method: clinical testing. Allele origin: germline.
Comment: For these reasons, this variant has been classified as Pathogenic. This variant disrupts a region of the CTSC protein in which other variant(s) (p.Trp429*) have been determined to be pathogenic (PMID: 10593994, 28242153, 29410039). This suggests that this is a clinically significant region of the protein, and that variants that disrupt it are likely to be disease-causing. This variant has not been reported in the literature in individuals affected with CTSC-related conditions. This variant is not present in population databases (gnomAD no frequency). This sequence change creates a premature translational stop signal (p.Tyr383*) in the CTSC gene. While this is not anticipated to result in nonsense mediated decay, it is expected to disrupt the last 81 amino acid(s) of the CTSC protein.

Literature cited by the submitters: PubMed 10593994; PubMed 28242153; PubMed 29410039.